The following is an entry in ClinVar:

ClinVar aggregate classification (germline): Uncertain significance. Review status: criteria provided, multiple submitters, no conflicts (2 of 4 stars). 2 submissions from 2 submitters: Uncertain significance (2). Last evaluated 2023-11-05.

Conditions:
Hereditary cancer-predisposing syndrome. Also called: Hereditary Cancer Syndrome; Neoplastic Syndromes, Hereditary; Hereditary neoplastic syndrome; Tumor predisposition. Identifiers: Orphanet 140162, MedGen C0027672, MeSH D009386, MONDO:0015356.

Submissions (2):

Labcorp Genetics (formerly Invitae), Labcorp
Classification: Uncertain significance. Last evaluated: 2023-11-05. Review status: criteria provided, single submitter. Criteria: Invitae Variant Classification Sherloc (09022015). Collection method: clinical testing. Allele origin: germline.
Comment: This sequence change replaces valine, which is neutral and non-polar, with alanine, which is neutral and non-polar, at codon 1621 of the POLE protein (p.Val1621Ala). This variant is not present in population databases (gnomAD no frequency). This variant has not been reported in the literature in individuals affected with POLE-related conditions. ClinVar contains an entry for this variant (Variation ID: 2016867). Advanced modeling of protein sequence and biophysical properties (such as structural, functional, and spatial information, amino acid conservation, physicochemical variation, residue mobility, and thermodynamic stability) performed at Invitae indicates that this missense variant is not expected to disrupt POLE protein function with a negative predictive value of 80%. In summary, the available evidence is currently insufficient to determine the role of this variant in disease. Therefore, it has been classified as a Variant of Uncertain Significance.

Ambry Genetics
Classification: Uncertain significance for Hereditary cancer-predisposing syndrome. Last evaluated: 2022-12-09. Review status: criteria provided, single submitter. Criteria: Ambry Variant Classification Scheme 2023. Collection method: clinical testing. Allele origin: germline.
Comment: The p.V1621A variant (also known as c.4862T>C), located in coding exon 37 of the POLE gene, results from a T to C substitution at nucleotide position 4862. The valine at codon 1621 is replaced by alanine, an amino acid with similar properties. This amino acid position is conserved. In addition, this alteration is predicted to be tolerated by in silico analysis. Since supporting evidence is limited at this time, the clinical significance of this alteration remains unclear.

NM_006231.4(POLE):c.4862T>C (p.Val1621Ala)

Gene: POLE (DNA polymerase epsilon, catalytic subunit; minus strand). Cytogenetic location: 12q24.33.
Variant type: single nucleotide variant.
Coding change: c.4862T>C on transcript NM_006231.4 (MANE Select); coding-DNA position 4862, T replaced by C.
Protein change: p.Val1621Ala; replaces valine 1621 with alanine.
Molecular consequence: missense variant.
Genome position (GRCh38, 1-based): chr12:132,642,596, A>G on the plus strand (T>C on the coding strand, the complement: POLE is on the minus strand). VCF-style: chr12-132642596-A-G. GRCh37 (hg19) VCF-style: chr12-133219182-A-G.
Other names: c.4862T>C (NM_006231.2); short protein forms V1621A.
Identifiers: ClinVar variation 2016867 (VCV002016867.6), dbSNP rs534387116, ClinGen allele CA387378099.